The following is an entry in ClinVar:

ClinVar aggregate classification (germline): Likely pathogenic (1 of 4 stars; one submission).

Conditions:
Primary dilated cardiomyopathy (DCM). Also called: Dilated Cardiomyopathy. Identifiers: Orphanet 217604, MedGen C0007193, MeSH D002311, MONDO:0005021, HP:0001644. Inheritance: Various modes of inheritance.

Submission:

Laboratory for Molecular Medicine, Mass General Brigham Personalized Medicine
Classification: Likely pathogenic for Primary dilated cardiomyopathy. Last evaluated: 2012-07-02. Review status: criteria provided, single submitter. Criteria: LMM Criteria. Collection method: clinical testing. Allele origin: germline. Inheritance: Autosomal dominant inheritance. Observed: 2 variant alleles.
Comment: The Gln31749X variant in TTN has not been reported in the literature nor previou sly identified by our laboratory. This variant has not been identified in large and broad populations by the NHLBI Exome Sequencing Project. While this low frequency is consistent with a disease causing ro le, it is insufficient to establish this with confidence. This nonsense variant leads to a premature termination codon at position 31749, which is predicted to lead to a truncated or absent protein. Heterozygous loss of function of the TTN gene is strongly associated with DCM (Herman 2012). In summary, this variant is likely to be pathogenic, though additional information is needed to fully establ ish its clinical significance.

NM_001267550.2(TTN):c.102949C>T (p.Gln34317Ter)

Genes: TTN-AS1 (TTN antisense RNA 1; plus strand), TTN (titin; minus strand). Cytogenetic location: 2q31.2.
Variant type: single nucleotide variant.
Coding change: c.102949C>T on transcript NM_001267550.2 (MANE Select); coding-DNA position 102949, C replaced by T.
Protein change: p.Gln34317Ter; replaces glutamine 34317 with a stop codon.
Molecular consequence: nonsense.
Genome position (GRCh38, 1-based): chr2:178,533,666, G>A on the plus strand (C>T on the coding strand, the complement: TTN is on the minus strand). VCF-style: chr2-178533666-G-A. GRCh37 (hg19) VCF-style: chr2-179398393-G-A.
Other names: c.95245C>T, p.Gln31749Ter (NM_133378.4); c.98026C>T, p.Gln32676Ter (NM_001256850.1); c.75754C>T, p.Gln25252Ter (NM_003319.4); c.76129C>T, p.Gln25377Ter (NM_133432.3); c.76330C>T, p.Gln25444Ter (NM_133437.4); short protein forms Q34317*, Q31749*, Q25252*, Q25377*, Q25444*, Q32676*.
Identifiers: ClinVar variation 47657 (VCV000047657.5), dbSNP rs397517787, ClinGen allele CA261918.